The following is an entry in ClinVar:

ClinVar aggregate classification (germline): Uncertain significance (1 of 4 stars; one submission).

Conditions:
Arrhythmogenic right ventricular dysplasia 12. Also called: ARRHYTHMOGENIC RIGHT VENTRICULAR DYSPLASIA, FAMILIAL, 12. Identifiers: MedGen C1969081, MONDO:0012684, OMIM 611528.
Naxos disease (NXD). Also called: KERATOSIS PALMOPLANTARIS WITH ARRHYTHMOGENIC CARDIOMYOPATHY; MAL DE NAXOS; PALMOPLANTAR KERATODERMA WITH ARRHYTHMOGENIC RIGHT VENTRICULAR CARDIOMYOPATHY AND WOOLLY HAIR; WOOLLY HAIR, PALMOPLANTAR KERATODERMA, AND CARDIAC ABNORMALITIES; CARDIOMYOPATHY, ARRHYTHMOGENIC RIGHT VENTRICULAR, WITH SKIN, HAIR, AND NAIL ABNORMALITIES. Identifiers: Orphanet 34217, MedGen C1832600, MONDO:0011017, OMIM 601214.

Submission:

Labcorp Genetics (formerly Invitae), Labcorp
Classification: Uncertain significance for Arrhythmogenic right ventricular dysplasia 12; Naxos disease. Last evaluated: 2022-12-27. Review status: criteria provided, single submitter. Criteria: Invitae Variant Classification Sherloc (09022015). Collection method: clinical testing. Allele origin: germline.
Comment: This variant is not present in population databases (gnomAD no frequency). This sequence change replaces serine, which is neutral and polar, with asparagine, which is neutral and polar, at codon 423 of the JUP protein (p.Ser423Asn). This variant has not been reported in the literature in individuals affected with JUP-related conditions. In summary, the available evidence is currently insufficient to determine the role of this variant in disease. Therefore, it has been classified as a Variant of Uncertain Significance. Algorithms developed to predict the effect of missense changes on protein structure and function (SIFT, PolyPhen-2, Align-GVGD) all suggest that this variant is likely to be tolerated.

NM_002230.4(JUP):c.1268G>A (p.Ser423Asn)

Gene: JUP (junction plakoglobin; minus strand). Cytogenetic location: 17q21.2.
Variant type: single nucleotide variant.
Coding change: c.1268G>A on transcript NM_002230.4 (MANE Select); coding-DNA position 1268, G replaced by A.
Protein change: p.Ser423Asn; replaces serine 423 with asparagine.
Molecular consequence: missense variant.
Genome position (GRCh38, 1-based): chr17:41,763,212, C>T on the plus strand (G>A on the coding strand, the complement: JUP is on the minus strand). VCF-style: chr17-41763212-C-T. GRCh37 (hg19) VCF-style: chr17-39919464-C-T.
Other names: c.1268G>A, p.Ser423Asn (NM_001352773.2, NM_001352774.2, NM_001352775.2 and 3 more transcripts); short protein forms S423N.
Identifiers: ClinVar variation 2942683 (VCV002942683.3), dbSNP rs2544109435, ClinGen allele CA399497615.